The following is an entry in ClinVar:

ClinVar aggregate classification (germline): Pathogenic (1 of 4 stars; one submission).

Conditions:
MHC class I deficiency. Identifiers: Orphanet 34592, MedGen C6024714, MONDO:0011476.

Allele frequency attached by ClinVar (database versions not stated): TOPMed below 0.00001; gnomAD exomes 0.00001.
gnomAD v4.1: 13 of 1,612,986 alleles (0.00081%); highest among the groups gnomAD compares: Non-Finnish European, 0.0011%; no homozygotes.

Submissions (2):

Labcorp Genetics (formerly Invitae), Labcorp
Classification: Pathogenic for MHC class I deficiency 1. Last evaluated: 2022-04-07. Review status: criteria provided, single submitter. Criteria: Invitae Variant Classification Sherloc (09022015). Collection method: clinical testing. Allele origin: germline.
Comment: This sequence change creates a premature translational stop signal (p.Arg372*) in the TAP1 gene. It is expected to result in an absent or disrupted protein product. Loss-of-function variants in TAP1 are known to be pathogenic (PMID: 10074494, 10074495). This variant is present in population databases (no rsID available, gnomAD 0.002%). This variant has not been reported in the literature in individuals affected with TAP1-related conditions. Algorithms developed to predict the effect of sequence changes on RNA splicing suggest that this variant may create or strengthen a splice site. For these reasons, this variant has been classified as Pathogenic.

Dr. Peter K. Rogan Lab, Western University
No classification provided (evidence only). Condition: Glioma susceptibility 1. Review status: no classification provided. Collection method: in vitro. Allele origin: not applicable. Functional consequence: skipped exon. Not counted in ClinVar's aggregate classification.

Literature cited by the submitters: PubMed 10074494 (cited by Labcorp Genetics (formerly Invitae), Labcorp); PubMed 10074495 (cited by Labcorp Genetics (formerly Invitae), Labcorp).

NM_000593.6(TAP1):c.934C>T (p.Arg312Ter)

Gene: TAP1 (transporter 1, ATP binding cassette subfamily B member; minus strand). Cytogenetic location: 6p21.32.
Variant type: single nucleotide variant.
Coding change: c.934C>T on transcript NM_000593.6 (MANE Select); coding-DNA position 934, C replaced by T.
Protein change: p.Arg312Ter; replaces arginine 312 with a stop codon.
Molecular consequence: nonsense.
Genome position (GRCh38, 1-based): chr6:32,851,060, G>A on the plus strand (C>T on the coding strand, the complement: TAP1 is on the minus strand). VCF-style: chr6-32851060-G-A. GRCh37 (hg19) VCF-style: chr6-32818837-G-A.
Other names: c.331C>T, p.Arg111Ter (NM_001292022.2); short protein forms R111*, R312*.
Identifiers: ClinVar variation 2419034 (VCV002419034.7), dbSNP rs1336232266, ClinGen allele CA363593082.